The following is an entry in ClinVar:

NM_015692.5(CPAMD8):c.4572G>T (p.Met1524Ile)

Gene: CPAMD8 (C3 and PZP like alpha-2-macroglobulin domain containing 8; minus strand). Cytogenetic location: 19p13.11.
Variant type: single nucleotide variant.
Coding change: c.4572G>T on transcript NM_015692.5 (MANE Select); coding-DNA position 4572, G replaced by T.
Protein change: p.Met1524Ile; replaces methionine 1524 with isoleucine.
Molecular consequence: missense variant.
Genome position (GRCh38, 1-based): chr19:16,902,762, C>A on the plus strand (G>T on the coding strand, the complement: CPAMD8 is on the minus strand). VCF-style: chr19-16902762-C-A. GRCh37 (hg19) VCF-style: chr19-17013572-C-A.
Other names: short protein forms M1524I.
Identifiers: ClinVar variation 2905105 (VCV002905105.3), dbSNP rs370110688, ClinGen allele CA9284550.

ClinVar aggregate classification (germline): Uncertain significance (1 of 4 stars; one submission).

Allele frequency attached by ClinVar (database versions not stated): gnomAD 0.00001; TOPMed 0.00003; ExAC 0.00006; ESP Exome Variant Server 0.00008.

Submission:

Labcorp Genetics (formerly Invitae), Labcorp
Classification: Uncertain significance. Last evaluated: 2024-04-19. Review status: criteria provided, single submitter. Criteria: Invitae Variant Classification Sherloc (09022015). Collection method: clinical testing. Allele origin: germline.
Comment: This sequence change replaces methionine, which is neutral and non-polar, with isoleucine, which is neutral and non-polar, at codon 1571 of the CPAMD8 protein (p.Met1571Ile). This variant is present in population databases (rs370110688, gnomAD 0.1%). This variant has not been reported in the literature in individuals affected with CPAMD8-related conditions. An algorithm developed to predict the effect of missense changes on protein structure and function (PolyPhen-2) suggests that this variant is likely to be tolerated. In summary, the available evidence is currently insufficient to determine the role of this variant in disease. Therefore, it has been classified as a Variant of Uncertain Significance.